The following is an entry in ClinVar:

ClinVar aggregate classification (germline): Uncertain significance (1 of 4 stars; one submission).

Allele frequency attached by ClinVar (database versions not stated): gnomAD 0.00001; TOPMed 0.00001.
gnomAD v4.1: 5 of 1,613,994 alleles (0.00031%); highest among the groups gnomAD compares: Admixed American, 0.0017%; no homozygotes.

Submission:

Labcorp Genetics (formerly Invitae), Labcorp
Classification: Uncertain significance. Last evaluated: 2021-10-10. Review status: criteria provided, single submitter. Criteria: Invitae Variant Classification Sherloc (09022015). Collection method: clinical testing. Allele origin: germline.
Comment: In summary, the available evidence is currently insufficient to determine the role of this variant in disease. Therefore, it has been classified as a Variant of Uncertain Significance. Algorithms developed to predict the effect of missense changes on protein structure and function output the following: SIFT: "Not Available"; PolyPhen-2: "Benign"; Align-GVGD: "Not Available". The histidine amino acid residue is found in multiple mammalian species, which suggests that this missense change does not adversely affect protein function. This variant has not been reported in the literature in individuals affected with CEP250-related conditions. This variant is not present in population databases (ExAC no frequency). This sequence change replaces arginine with histidine at codon 399 of the CEP250 protein (p.Arg399His). The arginine residue is weakly conserved and there is a small physicochemical difference between arginine and histidine.

NM_007186.6(CEP250):c.1196G>A (p.Arg399His)

Genes: CEP250 (centrosomal protein 250; plus strand), CEP250-AS1 (CEP250 antisense RNA 1; minus strand). Cytogenetic location: 20q11.22.
Variant type: single nucleotide variant.
Coding change: c.1196G>A on transcript NM_007186.6 (MANE Select); coding-DNA position 1196, G replaced by A.
Protein change: p.Arg399His; replaces arginine 399 with histidine.
Molecular consequence: missense variant. On other transcripts: 5 prime UTR variant (1).
Genome position (GRCh38, 1-based): chr20:35,472,818, G>A. VCF-style: chr20-35472818-G-A. GRCh37 (hg19) VCF-style: chr20-34060643-G-A.
Other names: c.-704G>A (NM_001318219.1); short protein forms R399H.
Identifiers: ClinVar variation 1358201 (VCV001358201.6), dbSNP rs773605537, ClinGen allele CA408759761.